The following is an entry in ClinVar:

ClinVar aggregate classification (germline): Pathogenic (1 of 4 stars; one submission).

Conditions:
Allan-Herndon-Dudley syndrome (AHDS). Also called: Passos-Bueno syndrome; ALLAN-HERNDON SYNDROME; MENTAL RETARDATION AND MUSCULAR ATROPHY; T3 RESISTANCE; TRIIODOTHYRONINE RESISTANCE. Identifiers: Orphanet 59, MedGen C0795889, MONDO:0010354, OMIM 300523.

Submission:

Victorian Clinical Genetics Services, Murdoch Childrens Research Institute
Classification: Pathogenic for Allan-Herndon-Dudley syndrome. Last evaluated: 2025-07-14. Review status: criteria provided, single submitter. Criteria: ACMG Guidelines, 2015. Collection method: clinical testing. Allele origin: germline. Affected: yes.
Comment: This variant is classified as Pathogenic. Evidence in support of pathogenic classification: Variant is predicted to cause nonsense-mediated decay (NMD) and loss of protein (premature termination codon is located at least 54 nucleotides upstream of the final exon-exon junction); Variant is absent from gnomAD (v2, v3 and v4); This variant has limited previous evidence of pathogenicity in an unrelated individual(s). An alternate nucleotide substitution, c.972G>A, resulting in the same amino acid change has been classified as pathogenic by a clinical laboratory in ClinVar; Other NMD-predicted variant(s) comparable to the one identified in this case have very strong previous evidence for pathogenicity (DECIPHER); Additional information: This variant is hemizygous; This gene is associated with X-linked disease. Hemizygous males and homozygous females are known to be affected with the full range of symptoms associated with Allan-Herndon-Dudley syndrome, while some heterozygous females develop a mild thyroid phenotype but no neurological symptoms (OMIM); Loss of function is a known mechanism of disease in this gene and is associated with Allan-Herndon-Dudley syndrome (MIM#300523).

NM_006517.5(SLC16A2):c.971G>A (p.Trp324Ter)

Gene: SLC16A2 (solute carrier family 16 member 2; plus strand). Cytogenetic location: Xq13.2.
Variant type: single nucleotide variant.
Coding change: c.971G>A on transcript NM_006517.5 (MANE Select); coding-DNA position 971, G replaced by A.
Protein change: p.Trp324Ter; replaces tryptophan 324 with a stop codon.
Molecular consequence: nonsense.
Genome position (GRCh38, 1-based): chrX:74,524,754, G>A. VCF-style: chrX-74524754-G-A. GRCh37 (hg19) VCF-style: chrX-73744589-G-A.
Other names: short protein forms W324*.
Identifiers: ClinVar variation 4531350 (VCV004531350.1).